The following is an entry in ClinVar:

NM_006361.6(HOXB13):c.545T>A (p.Met182Lys)

Gene: HOXB13 (homeobox B13; minus strand). Cytogenetic location: 17q21.32.
Variant type: single nucleotide variant.
Coding change: c.545T>A on transcript NM_006361.6 (MANE Select); coding-DNA position 545, T replaced by A.
Protein change: p.Met182Lys; replaces methionine 182 with lysine.
Molecular consequence: missense variant.
Genome position (GRCh38, 1-based): chr17:48,728,049, A>T on the plus strand (T>A on the coding strand, the complement: HOXB13 is on the minus strand). VCF-style: chr17-48728049-A-T. GRCh37 (hg19) VCF-style: chr17-46805411-A-T.
Other names: short protein forms M182K.
Identifiers: ClinVar variation 825753 (VCV000825753.11), dbSNP rs772349818, ClinGen allele CA400107222.

ClinVar aggregate classification (germline): Uncertain significance. Review status: criteria provided, multiple submitters, no conflicts (2 of 4 stars). 2 submissions from 2 submitters: Uncertain significance (2). Last evaluated 2025-12-02.

Conditions:
Hereditary cancer-predisposing syndrome. Also called: Neoplastic Syndromes, Hereditary; Tumor predisposition; Hereditary neoplastic syndrome; Hereditary Cancer Syndrome. Identifiers: Orphanet 140162, MedGen C0027672, MeSH D009386, MONDO:0015356.

Submissions (2):

Labcorp Genetics (formerly Invitae), Labcorp
Classification: Uncertain significance. Last evaluated: 2025-12-02. Review status: criteria provided, single submitter. Criteria: Invitae Variant Classification Sherloc (09022015). Collection method: clinical testing. Allele origin: germline.
Comment: This sequence change replaces methionine, which is neutral and non-polar, with lysine, which is basic and polar, at codon 182 of the HOXB13 protein (p.Met182Lys). This variant is not present in population databases (gnomAD no frequency). This variant has not been reported in the literature in individuals affected with HOXB13-related conditions. ClinVar contains an entry for this variant (Variation ID: 825753). Invitae Evidence Modeling of protein sequence and biophysical properties (such as structural, functional, and spatial information, amino acid conservation, physicochemical variation, residue mobility, and thermodynamic stability) indicates that this missense variant is not expected to disrupt HOXB13 protein function with a negative predictive value of 80%. In summary, the available evidence is currently insufficient to determine the role of this variant in disease. Therefore, it has been classified as a Variant of Uncertain Significance.

Ambry Genetics
Classification: Uncertain significance for Hereditary cancer-predisposing syndrome. Last evaluated: 2025-06-13. Review status: criteria provided, single submitter. Criteria: Ambry Variant Classification Scheme 2023. Collection method: clinical testing. Allele origin: germline.
Comment: The p.M182K variant (also known as c.545T>A), located in coding exon 1 of the HOXB13 gene, results from a T to A substitution at nucleotide position 545. The methionine at codon 182 is replaced by lysine, an amino acid with similar properties. This amino acid position is not well conserved in available vertebrate species. In addition, this alteration is predicted to be deleterious by in silico analysis. Since supporting evidence is limited at this time, the clinical significance of this alteration remains unclear.